The following is an entry in ClinVar:

NM_032802.4(SPPL2A):c.1332_1333dup (p.Ala445fs)

Gene: SPPL2A (signal peptide peptidase like 2A; minus strand). Cytogenetic location: 15q21.2.
Variant type: Duplication.
Coding change: c.1332_1333dup on transcript NM_032802.4 (MANE Select); coding-DNA positions 1332 to 1333, 2 bases duplicated (TG; older notation c.1332_1333dupTG).
Protein change: p.Ala445fs; shifts the reading frame from alanine 445.
Molecular consequence: frameshift variant.
Genome position (GRCh38, 1-based): chr15:50,720,095-50,720,096, CA duplicated on the plus strand (TG on the coding strand, the reverse complement: SPPL2A is on the minus strand). VCF-style (leftmost placement, unchanged base first): chr15-50720094-G-GCA. GRCh37 (hg19) VCF-style: chr15-51012291-G-GCA.
Other names: short protein forms A445fs.
Identifiers: ClinVar variation 2958444 (VCV002958444.3), dbSNP rs1278276081, ClinGen allele CA490345169.

ClinVar aggregate classification (germline): Uncertain significance (1 of 4 stars; one submission).

Allele frequency attached by ClinVar (database versions not stated): TOPMed 0.00001.

Submission:

Labcorp Genetics (formerly Invitae), Labcorp
Classification: Uncertain significance. Last evaluated: 2023-12-13. Review status: criteria provided, single submitter. Criteria: Invitae Variant Classification Sherloc (09022015). Collection method: clinical testing. Allele origin: germline.
Comment: This sequence change creates a premature translational stop signal (p.Ala445Valfs*5) in the SPPL2A gene. It is expected to result in an absent or disrupted protein product. However, the current clinical and genetic evidence is not sufficient to establish whether loss-of-function variants in SPPL2A cause disease. This variant is not present in population databases (gnomAD no frequency). This variant has not been reported in the literature in individuals affected with SPPL2A-related conditions. In summary, the available evidence is currently insufficient to determine the role of this variant in disease. Therefore, it has been classified as a Variant of Uncertain Significance.